The following is an entry in ClinVar:

NM_022114.4(PRDM16):c.822C>T (p.Gly274=)

Gene: PRDM16 (PR/SET domain 16; plus strand). Cytogenetic location: 1p36.32.
Variant type: single nucleotide variant.
Coding change: c.822C>T on transcript NM_022114.4 (MANE Select); coding-DNA position 822, C replaced by T.
Protein change: p.Gly274=; no amino-acid change (glycine 274 retained).
Molecular consequence: synonymous variant.
Genome position (GRCh38, 1-based): chr1:3,402,936, C>T. VCF-style: chr1-3402936-C-T. GRCh37 (hg19) VCF-style: chr1-3319500-C-T.
Other names: c.822C>T, p.Gly274= (NM_199454.3).
Identifiers: ClinVar variation 227875 (VCV000227875.15), dbSNP rs372730781, ClinGen allele CA543965.

ClinVar aggregate classification (germline): Likely benign. Review status: criteria provided, multiple submitters, no conflicts (2 of 4 stars). 3 submissions from 3 submitters: Likely benign (3). Last evaluated 2024-11-18.

Conditions:
Left ventricular noncompaction 8 (LVNC8). Identifiers: Orphanet 154, Orphanet 54260, MedGen C3809288, MONDO:0014152, OMIM 615373.

Allele frequency attached by ClinVar (database versions not stated): ExAC 0.00005; gnomAD 0.00006; TOPMed 0.00006; gnomAD exomes 0.00008 and 0.00010; ESP Exome Variant Server 0.00016.
gnomAD v4.1: 128 of 1,612,520 alleles (0.0079%); highest among the groups gnomAD compares: South Asian, 0.024%; no homozygotes.

Submissions (3):

Blueprint Genetics
Classification: Likely benign. Last evaluated: 2024-11-18. Review status: criteria provided, single submitter. Criteria: ACMG Guidelines, 2015. Collection method: clinical testing. Allele origin: germline.

Labcorp Genetics (formerly Invitae), Labcorp
Classification: Likely benign for Left ventricular noncompaction 8. Last evaluated: 2024-04-23. Review status: criteria provided, single submitter. Criteria: Invitae Variant Classification Sherloc (09022015). Collection method: clinical testing. Allele origin: germline.

Laboratory for Molecular Medicine, Mass General Brigham Personalized Medicine
Classification: Likely benign. Last evaluated: 2014-11-24. Review status: criteria provided, single submitter. Criteria: LMM Criteria. Collection method: clinical testing. Allele origin: germline. Observed: 1 variant allele.
Comment: Gly274Gly in exon 6 of PRDM16: This variant is not expected to have clinical sig nificance because it does not alter an amino acid residue and is not located wit hin the splice consensus sequence. It has been identified in 2/8548 European Ame rican chromosomes from a broad population by the NHLBI Exome Sequencing Project.